The following is an entry in ClinVar:

ClinVar aggregate classification (germline): Uncertain significance. Review status: criteria provided, multiple submitters, no conflicts (2 of 4 stars). 2 submissions from 2 submitters: Uncertain significance (2). Last evaluated 2025-05-08.

Conditions:
Catecholaminergic polymorphic ventricular tachycardia 1. Also called: VENTRICULAR TACHYCARDIA, CATECHOLAMINERGIC POLYMORPHIC, 1, WITH OR WITHOUT ATRIAL DYSFUNCTION AND/OR DILATED CARDIOMYOPATHY; RYR2-Related Catecholaminergic Polymorphic Ventricular Tachycardia; VENTRICULAR TACHYCARDIA, STRESS-INDUCED POLYMORPHIC 1. Identifiers: Orphanet 3286, MedGen C1631597, MONDO:0011484, OMIM 604772.
Cardiovascular phenotype. Identifiers: MedGen CN230736.

Allele frequency attached by ClinVar (database versions not stated): gnomAD exomes 0.00001; gnomAD 0.00002 and 0.00003; TOPMed 0.00003.
gnomAD v4.1: 13 of 1,251,436 alleles (0.001%); highest among the groups gnomAD compares: Non-Finnish European, 0.0014%; no homozygotes.

Submissions (2):

Ambry Genetics
Classification: Uncertain significance for Cardiovascular phenotype. Last evaluated: 2025-05-08. Review status: criteria provided, single submitter. Criteria: Ambry Variant Classification Scheme 2023. Collection method: clinical testing. Allele origin: germline.
Comment: The p.K147E variant (also known as c.439A>G), located in coding exon 5 of the TRDN gene, results from an A to G substitution at nucleotide position 439. The lysine at codon 147 is replaced by glutamic acid, an amino acid with similar properties. This amino acid position is highly conserved in available vertebrate species. In addition, this alteration is predicted to be tolerated by in silico analysis. Since supporting evidence is limited at this time, the clinical significance of this alteration remains unclear.

Labcorp Genetics (formerly Invitae), Labcorp
Classification: Uncertain significance for Catecholaminergic polymorphic ventricular tachycardia 1. Last evaluated: 2022-02-06. Review status: criteria provided, single submitter. Criteria: Invitae Variant Classification Sherloc (09022015). Collection method: clinical testing. Allele origin: germline.
Comment: In summary, the available evidence is currently insufficient to determine the role of this variant in disease. Therefore, it has been classified as a Variant of Uncertain Significance. Algorithms developed to predict the effect of missense changes on protein structure and function are either unavailable or do not agree on the potential impact of this missense change (SIFT: "Tolerated"; PolyPhen-2: "Not Available"; Align-GVGD: "Class C0"). This variant has not been reported in the literature in individuals affected with TRDN-related conditions. This variant is not present in population databases (gnomAD no frequency). This sequence change replaces lysine, which is basic and polar, with glutamic acid, which is acidic and polar, at codon 147 of the TRDN protein (p.Lys147Glu).

NM_006073.4(TRDN):c.439A>G (p.Lys147Glu)

Gene: TRDN (triadin; minus strand). Cytogenetic location: 6q22.31.
Variant type: single nucleotide variant.
Coding change: c.439A>G on transcript NM_006073.4 (MANE Select); coding-DNA position 439, A replaced by G.
Protein change: p.Lys147Glu; replaces lysine 147 with glutamic acid.
Molecular consequence: missense variant.
Genome position (GRCh38, 1-based): chr6:123,530,551, T>C on the plus strand (A>G on the coding strand, the complement: TRDN is on the minus strand). VCF-style: chr6-123530551-T-C. GRCh37 (hg19) VCF-style: chr6-123851696-T-C.
Other names: c.439A>G, p.Lys147Glu (NM_001251987.2, NM_001256020.2, NM_001256021.2 and 1 more transcripts); short protein forms K147E.
Identifiers: ClinVar variation 1504227 (VCV001504227.9), dbSNP rs554795197, ClinGen allele CA147293475.